The following is an entry in ClinVar:

NM_001101426.4(CRPPA):c.1220T>C (p.Leu407Ser)

Genes: CRPPA-AS1 (CRPPA antisense RNA 1; plus strand), CRPPA (CDP-L-ribitol pyrophosphorylase A; minus strand). Cytogenetic location: 7p21.2.
Variant type: single nucleotide variant.
Coding change: c.1220T>C on transcript NM_001101426.4 (MANE Select); coding-DNA position 1220, T replaced by C.
Protein change: p.Leu407Ser; replaces leucine 407 with serine.
Molecular consequence: missense variant. On other transcripts: non-coding transcript variant (1).
Genome position (GRCh38, 1-based): chr7:16,216,097, A>G on the plus strand (T>C on the coding strand, the complement: CRPPA is on the minus strand). VCF-style: chr7-16216097-A-G. GRCh37 (hg19) VCF-style: chr7-16255722-A-G.
Other names: c.1070T>C, p.Leu357Ser (NM_001101417.4); c.1115T>C, p.Leu372Ser (NM_001368197.1); short protein forms L407S, L357S, L372S.
Identifiers: ClinVar variation 129285 (VCV000129285.24), dbSNP rs141625803, ClinGen allele CA153187.

ClinVar aggregate classification (germline): Benign/Likely benign. Review status: criteria provided, multiple submitters, no conflicts (2 of 4 stars). 6 submissions from 6 submitters: Benign (4); Likely benign (1). 1 of the submissions does not count toward it. Last evaluated 2026-01-26.

Conditions:
Congenital Muscular Dystrophy, alpha-dystroglycan related.
Autosomal recessive limb-girdle muscular dystrophy type 2U. Also called: Muscular dystrophy-dystroglycanopathy (limb-girdle), type c, 7; MUSCULAR DYSTROPHY, LIMB-GIRDLE, TYPE 2U. Identifiers: Orphanet 352479, MedGen C5190987, MONDO:0014474, OMIM 616052.
Muscular dystrophy-dystroglycanopathy (congenital with brain and eye anomalies), type A, 7. Also called: WALKER-WARBURG SYNDROME OR MUSCLE-EYE-BRAIN DISEASE, ISPD-RELATED; Congenital muscular dystrophy-dystroglycanopathy with brain and eye anomalies, type A7. Identifiers: Orphanet 899, MedGen C3553330, MONDO:0013835, OMIM 614643.

Allele frequency attached by ClinVar (database versions not stated): gnomAD exomes 0.00102 and 0.00234; gnomAD 0.00164 and 0.00198; TOPMed 0.00213; ExAC 0.00226; 1000 Genomes Project 30x 0.00656; 1000 Genomes Project 0.00679; ESP Exome Variant Server 0.00086.
gnomAD v4.1: 1,818 of 1,601,278 alleles (0.11%); highest among the groups gnomAD compares: East Asian, 3%; 32 homozygotes.

Submissions (6):

Labcorp Genetics (formerly Invitae), Labcorp
Classification: Benign for Muscular dystrophy-dystroglycanopathy (congenital with brain and eye anomalies), type A, 7; Autosomal recessive limb-girdle muscular dystrophy type 2U. Last evaluated: 2026-01-26. Review status: criteria provided, single submitter. Criteria: Invitae Variant Classification Sherloc (09022015). Collection method: clinical testing. Allele origin: germline.

GeneDx
Classification: Benign. Last evaluated: 2018-03-22. Review status: criteria provided, single submitter. Criteria: GeneDx Variant Classification (06012015). Collection method: clinical testing. Allele origin: germline. Affected: yes.
Comment: This variant is considered likely benign or benign based on one or more of the following criteria: it is a conservative change, it occurs at a poorly conserved position in the protein, it is predicted to be benign by multiple in silico algorithms, and/or has population frequency not consistent with disease.

Illumina Laboratory Services, Illumina
Classification: Benign for Congenital Muscular Dystrophy, alpha-dystroglycan related. Last evaluated: 2018-01-12. Review status: criteria provided, single submitter. Criteria: ICSL Variant Classification Criteria 13 December 2019. Collection method: clinical testing. Allele origin: germline.
Comment: This variant was observed in the ICSL laboratory as part of a predisposition screen in an ostensibly healthy population. It had not been previously curated by ICSL or reported in the Human Gene Mutation Database (HGMD: prior to June 1st, 2018), and was therefore a candidate for classification through an automated scoring system. Utilizing variant allele frequency, disease prevalence and penetrance estimates, and inheritance mode, an automated score was calculated to assess if this variant is too frequent to cause the disease. Based on the score and internal cut-off values, a variant classified as benign is not then subjected to further curation. The score for this variant resulted in a classification of benign for this disease.

Athena Diagnostics
Classification: Likely benign. Last evaluated: 2017-03-15. Review status: criteria provided, single submitter. Criteria: Athena Diagnostics Criteria. Collection method: clinical testing. Allele origin: germline.

Eurofins Ntd Llc (ga)
Classification: Benign. Last evaluated: 2015-10-22. Review status: criteria provided, single submitter. Criteria: EGL Classification Definitions 2015. Collection method: clinical testing. Allele origin: germline. Observed: 2 variant alleles, 2 heterozygotes.

Genetic Services Laboratory, University of Chicago
Classification: Likely benign for AllHighlyPenetrant. Review status: no assertion criteria provided. Collection method: clinical testing. Allele origin: germline. Inheritance: Autosomal recessive inheritance. Not counted in ClinVar's aggregate classification.
Comment: Likely benign based on allele frequency in 1000 Genomes Project or ESP global frequency and its presence in a patient with a rare or unrelated disease phenotype. NOT Sanger confirmed.